The following is an entry in ClinVar:

NM_000718.4(CACNA1B):c.2881G>A (p.Gly961Ser)

Gene: CACNA1B (calcium voltage-gated channel subunit alpha1 B; plus strand). Cytogenetic location: 9q34.3.
Variant type: single nucleotide variant.
Coding change: c.2881G>A on transcript NM_000718.4 (MANE Select); coding-DNA position 2881, G replaced by A.
Protein change: p.Gly961Ser; replaces glycine 961 with serine.
Molecular consequence: missense variant.
Genome position (GRCh38, 1-based): chr9:138,023,624, G>A. VCF-style: chr9-138023624-G-A. GRCh37 (hg19) VCF-style: chr9-140918076-G-A.
Other names: c.2881G>A, p.Gly961Ser (NM_001243812.2); short protein forms G961S.
Identifiers: ClinVar variation 2068886 (VCV002068886.4), dbSNP rs2539375291, ClinGen allele CA375810333.

ClinVar aggregate classification (germline): Uncertain significance (1 of 4 stars; one submission).

Submission:

Labcorp Genetics (formerly Invitae), Labcorp
Classification: Uncertain significance. Last evaluated: 2022-01-01. Review status: criteria provided, single submitter. Criteria: Invitae Variant Classification Sherloc (09022015). Collection method: clinical testing. Allele origin: germline.
Comment: Advanced modeling of protein sequence and biophysical properties (such as structural, functional, and spatial information, amino acid conservation, physicochemical variation, residue mobility, and thermodynamic stability) performed at Invitae indicates that this missense variant is not expected to disrupt CACNA1B protein function. In summary, the available evidence is currently insufficient to determine the role of this variant in disease. Therefore, it has been classified as a Variant of Uncertain Significance. Algorithms developed to predict the effect of sequence changes on RNA splicing suggest that this variant may create or strengthen a splice site. This variant has not been reported in the literature in individuals affected with CACNA1B-related conditions. This variant is not present in population databases (gnomAD no frequency). This sequence change replaces glycine, which is neutral and non-polar, with serine, which is neutral and polar, at codon 961 of the CACNA1B protein (p.Gly961Ser).